The following is an entry in ClinVar:

NM_005120.3(MED12):c.4728-11T>G

Gene: MED12 (mediator complex subunit 12; plus strand). Cytogenetic location: Xq13.1.
Variant type: single nucleotide variant.
Coding change: c.4728-11T>G on transcript NM_005120.3 (MANE Select); 11 bases into the intron before coding-DNA position 4728, T replaced by G.
Molecular consequence: intron variant.
Genome position (GRCh38, 1-based): chrX:71,134,702, T>G. VCF-style: chrX-71134702-T-G. GRCh37 (hg19) VCF-style: chrX-70354552-T-G.
Identifiers: ClinVar variation 1305607 (VCV001305607.2), dbSNP rs2147822249, ClinGen allele CA2573055389.

ClinVar aggregate classification (germline): Uncertain significance (1 of 4 stars; one submission).

Submission:

GeneDx
Classification: Uncertain significance. Last evaluated: 2019-05-06. Review status: criteria provided, single submitter. Criteria: GeneDx Variant Classification Process June 2021. Collection method: clinical testing. Allele origin: germline. Affected: yes.
Comment: Not observed in large population cohorts (Lek et al., 2016); Has not been previously published as pathogenic or benign to our knowledge; In-silico analysis, which includes splice predictors and evolutionary conservation, is inconclusive as to whether the variant alters gene splicing. In the absence of RNA/functional studies, the actual effect of this sequence change is unknown.